The following is an entry in ClinVar:

NM_001127222.2(CACNA1A):c.2548G>A (p.Gly850Ser)

Gene: CACNA1A (calcium voltage-gated channel subunit alpha1 A; minus strand). Cytogenetic location: 19p13.13.
Variant type: single nucleotide variant.
Coding change: c.2548G>A on transcript NM_001127222.2 (MANE Select); coding-DNA position 2548, G replaced by A.
Protein change: p.Gly850Ser; replaces glycine 850 with serine.
Molecular consequence: missense variant.
Genome position (GRCh38, 1-based): chr19:13,299,085, C>T on the plus strand (G>A on the coding strand, the complement: CACNA1A is on the minus strand). VCF-style: chr19-13299085-C-T. GRCh37 (hg19) VCF-style: chr19-13409899-C-T.
Other names: c.2560G>A, p.Gly854Ser (NM_000068.4, NM_023035.3); c.2551G>A, p.Gly851Ser (NM_001127221.2, NM_001174080.2); short protein forms G854S, G850S, G851S.
Identifiers: ClinVar variation 1878245 (VCV001878245.4), dbSNP rs1270399331, ClinGen allele CA404343213.

ClinVar aggregate classification (germline): Conflicting classifications of pathogenicity. Review status: criteria provided, conflicting classifications (1 of 4 stars). 2 submissions from 2 submitters: Uncertain significance (1); Likely benign (1). Last evaluated 2024-06-04.

Conditions:
Episodic ataxia type 2 (EA2). Also called: ATAXIA, EPISODIC, WITH NYSTAGMUS; ATAXIA, FAMILIAL PAROXYSMAL; CEREBELLAR ATAXIA, PAROXYSMAL, ACETAZOLAMIDE-RESPONSIVE; CEREBELLOPATHY, HEREDITARY PAROXYSMAL; EPISODIC ATAXIA, NYSTAGMUS-ASSOCIATED; ACETAZOLAMIDE-RESPONSIVE HEREDITARY PAROXYSMAL CEREBELLAR ATAXIA. Identifiers: Orphanet 97, MedGen C1720416, MONDO:0007163, OMIM 108500.
Developmental and epileptic encephalopathy, 42 (DEE42A). Also called: DEVELOPMENTAL AND EPILEPTIC ENCEPHALOPATHY 42A; EPILEPTIC ENCEPHALOPATHY, EARLY INFANTILE, 42A; Epileptic encephalopathy, early infantile, 42. Identifiers: MedGen C4310716, MONDO:0014917, OMIM 617106.

Allele frequency attached by ClinVar (database versions not stated): gnomAD exomes below 0.00001.
gnomAD v4.1: 5 of 1,610,698 alleles (0.00031%); highest among the groups gnomAD compares: Admixed American, 0.0033%; no homozygotes.

Submissions (2):

Labcorp Genetics (formerly Invitae), Labcorp
Classification: Likely benign for Developmental and epileptic encephalopathy, 42; Episodic ataxia type 2. Last evaluated: 2024-06-04. Review status: criteria provided, single submitter. Criteria: Invitae Variant Classification Sherloc (09022015). Collection method: clinical testing. Allele origin: germline.

Women's Health and Genetics/Laboratory Corporation of America, LabCorp
Classification: Uncertain significance. Last evaluated: 2022-12-08. Review status: criteria provided, single submitter. Criteria: LabCorp Variant Classification Summary - May 2015. Collection method: clinical testing. Allele origin: germline.
Comment: Variant summary: CACNA1A c.2551G>A (p.Gly851Ser) results in a non-conservative amino acid change in the encoded protein sequence. Four of five in-silico tools predict a benign effect of the variant on protein function. The variant allele was found at a frequency of 8.3e-06 in 241964 control chromosomes. The available data on variant occurrences in the general population are insufficient to allow any conclusion about variant significance. To our knowledge, no occurrence of c.2551G>A in individuals affected with Epileptic Encephalopathy, Early Infantile, 42 and no experimental evidence demonstrating its impact on protein function have been reported. No clinical diagnostic laboratories have submitted clinical-significance assessments for this variant to ClinVar after 2014. Based on the evidence outlined above, the variant was classified as uncertain significance.